The following is an entry in ClinVar:

NC_000015.9:g.(?_99192811)_(99434886_?)dup

Gene: IGF1R (insulin like growth factor 1 receptor; plus strand). Cytogenetic location: 15q26.3.
Variant type: Duplication.
Identifiers: ClinVar variation 3243864 (VCV003243864.1).

ClinVar aggregate classification (germline): Uncertain significance (1 of 4 stars; one submission).

Submission:

Labcorp Genetics (formerly Invitae), Labcorp
Classification: Uncertain significance. Last evaluated: 2023-05-10. Review status: criteria provided, single submitter. Criteria: Invitae Variant Classification Sherloc (09022015). Collection method: clinical testing. Allele origin: unknown.
Comment: In summary, the available evidence is currently insufficient to determine the role of this variant in disease. Therefore, it has been classified as a Variant of Uncertain Significance. Experimental studies and prediction algorithms are not available or were not evaluated, and the functional significance of this variant is currently unknown. This variant has not been reported in the literature in individuals affected with IGF1R-related conditions. This variant results in a copy number gain of the genomic region encompassing exon(s) 1-3 of the IGF1R gene. This region includes the initiator codon of the gene. This copy number gain extends beyond the assayed region for this gene and therefore may encompass additional genes. As the precise location of this event is unknown, it may be in tandem or it may be located elsewhere in the genome.